The following is an entry in ClinVar:

NM_000487.6(ARSA):c.1063T>G (p.Leu355Val)

Gene: ARSA (arylsulfatase A; minus strand). Cytogenetic location: 22q13.33.
Variant type: single nucleotide variant.
Coding change: c.1063T>G on transcript NM_000487.6 (MANE Select); coding-DNA position 1063, T replaced by G.
Protein change: p.Leu355Val; replaces leucine 355 with valine.
Molecular consequence: missense variant.
Genome position (GRCh38, 1-based): chr22:50,625,980, A>C on the plus strand (T>G on the coding strand, the complement: ARSA is on the minus strand). VCF-style: chr22-50625980-A-C. GRCh37 (hg19) VCF-style: chr22-51064408-A-C.
Other names: c.1063T>G, p.Leu355Val (NM_001085426.3, NM_001085427.3, NM_001085425.3); c.805T>G, p.Leu269Val (NM_001085428.3, NM_001362782.2); c.1063T>G (NM_000487.5); short protein forms L355V, L269V.
Identifiers: ClinVar variation 1386062 (VCV001386062.5), dbSNP rs763446964, ClinGen allele CA10324835.

ClinVar aggregate classification (germline): Uncertain significance. Review status: criteria provided, multiple submitters, no conflicts (2 of 4 stars). 2 submissions from 2 submitters: Uncertain significance (2). Last evaluated 2025-05-20.

Conditions:
Metachromatic leukodystrophy (MLD). Also called: Arylsulfatase A Deficiency; SULFATIDE LIPIDOSIS; ARSA DEFICIENCY; CEREBROSIDE SULFATASE DEFICIENCY; Cerebral sclerosis diffuse metachromatic form; METACHROMATIC LEUKOENCEPHALOPATHY. Identifiers: Orphanet 512, MedGen C0023522, MONDO:0018868, OMIM 250100.
Inborn genetic diseases. Identifiers: MedGen C0950123, MeSH D030342.

Allele frequency attached by ClinVar (database versions not stated): TOPMed 0.00001; ExAC 0.00003; gnomAD 0.00001; gnomAD exomes 0.00001.
gnomAD v4.1: 15 of 1,576,018 alleles (0.00095%); highest among the groups gnomAD compares: Non-Finnish European, 0.0013%; no homozygotes.

Submissions (2):

Ambry Genetics
Classification: Uncertain significance for Inborn genetic diseases. Last evaluated: 2025-05-20. Review status: criteria provided, single submitter. Criteria: Ambry Variant Classification Scheme 2023. Collection method: clinical testing. Allele origin: germline.

Labcorp Genetics (formerly Invitae), Labcorp
Classification: Uncertain significance for Metachromatic leukodystrophy. Last evaluated: 2024-10-12. Review status: criteria provided, single submitter. Criteria: Invitae Variant Classification Sherloc (09022015). Collection method: clinical testing. Allele origin: germline.
Comment: This sequence change replaces leucine, which is neutral and non-polar, with valine, which is neutral and non-polar, at codon 355 of the ARSA protein (p.Leu355Val). The frequency data for this variant in the population databases is considered unreliable, as metrics indicate poor data quality at this position in the gnomAD database. This variant has not been reported in the literature in individuals affected with ARSA-related conditions. ClinVar contains an entry for this variant (Variation ID: 1386062). Invitae Evidence Modeling of protein sequence and biophysical properties (such as structural, functional, and spatial information, amino acid conservation, physicochemical variation, residue mobility, and thermodynamic stability) indicates that this missense variant is expected to disrupt ARSA protein function with a positive predictive value of 95%. In summary, the available evidence is currently insufficient to determine the role of this variant in disease. Therefore, it has been classified as a Variant of Uncertain Significance.